The following is an entry in ClinVar:

ClinVar aggregate classification (germline): Uncertain significance (1 of 4 stars; one submission).

Conditions:
Kabuki syndrome. Also called: NIIKAWA-KUROKI SYNDROME; Kabuki make-up syndrome. Identifiers: Orphanet 2322, MedGen C0796004, MONDO:0016512.

Allele frequency attached by ClinVar (database versions not stated): gnomAD exomes below 0.00001.

Submission:

Labcorp Genetics (formerly Invitae), Labcorp
Classification: Uncertain significance for Kabuki syndrome. Last evaluated: 2022-09-30. Review status: criteria provided, single submitter. Criteria: Invitae Variant Classification Sherloc (09022015). Collection method: clinical testing. Allele origin: germline.
Comment: Advanced modeling of protein sequence and biophysical properties (such as structural, functional, and spatial information, amino acid conservation, physicochemical variation, residue mobility, and thermodynamic stability) performed at Invitae indicates that this missense variant is not expected to disrupt KMT2D protein function. This variant has not been reported in the literature in individuals affected with KMT2D-related conditions. This variant is not present in population databases (gnomAD no frequency). This sequence change replaces methionine, which is neutral and non-polar, with isoleucine, which is neutral and non-polar, at codon 1941 of the KMT2D protein (p.Met1941Ile). In summary, the available evidence is currently insufficient to determine the role of this variant in disease. Therefore, it has been classified as a Variant of Uncertain Significance.

NM_003482.4(KMT2D):c.5823G>A (p.Met1941Ile)

Gene: KMT2D (lysine methyltransferase 2D; minus strand). Cytogenetic location: 12q13.12.
Variant type: single nucleotide variant.
Coding change: c.5823G>A on transcript NM_003482.4 (MANE Select); coding-DNA position 5823, G replaced by A.
Protein change: p.Met1941Ile; replaces methionine 1941 with isoleucine.
Molecular consequence: missense variant.
Genome position (GRCh38, 1-based): chr12:49,042,605, C>T on the plus strand (G>A on the coding strand, the complement: KMT2D is on the minus strand). VCF-style: chr12-49042605-C-T. GRCh37 (hg19) VCF-style: chr12-49436388-C-T.
Other names: short protein forms M1941I.
Identifiers: ClinVar variation 1986676 (VCV001986676.4), dbSNP rs2120557429, ClinGen allele CA384628216.